The following is an entry in ClinVar:

ClinVar aggregate classification (germline): Uncertain significance. Review status: criteria provided, multiple submitters, no conflicts (2 of 4 stars). 3 submissions from 3 submitters: Uncertain significance (3). Last evaluated 2025-11-05.

Conditions:
KIDINS220-related disorder. Also called: KIDINS220-related condition.

Allele frequency attached by ClinVar (database versions not stated): gnomAD 0.00004; gnomAD exomes 0.00006; TOPMed 0.00006; ExAC 0.00009; 1000 Genomes Project 30x 0.00016; ESP Exome Variant Server 0.00017; 1000 Genomes Project 0.00020.
gnomAD v4.1: 97 of 1,613,876 alleles (0.006%); highest among the groups gnomAD compares: Non-Finnish European, 0.0074%; no homozygotes.

Submissions (3):

PreventionGenetics, part of Exact Sciences
Classification: Uncertain significance for KIDINS220-related condition. Last evaluated: 2025-11-05. Review status: criteria provided, single submitter. Criteria: ACMG Guidelines, 2015. Collection method: clinical testing. Allele origin: germline.
Comment: The KIDINS220 c.1858A>G variant is predicted to result in the amino acid substitution p.Thr620Ala. To our knowledge, this variant has not been reported in the literature. This variant is reported in 0.012% of alleles in individuals of European (Non-Finnish) descent in gnomAD. At this time, the clinical significance of this variant is uncertain due to the absence of conclusive functional and genetic evidence.

Labcorp Genetics (formerly Invitae), Labcorp
Classification: Uncertain significance. Last evaluated: 2025-07-01. Review status: criteria provided, single submitter. Criteria: Invitae Variant Classification Sherloc (09022015). Collection method: clinical testing. Allele origin: germline.
Comment: This sequence change replaces threonine, which is neutral and polar, with alanine, which is neutral and non-polar, at codon 620 of the KIDINS220 protein (p.Thr620Ala). This variant is present in population databases (rs370400615, gnomAD 0.01%). This variant has not been reported in the literature in individuals affected with KIDINS220-related conditions. ClinVar contains an entry for this variant (Variation ID: 2085563). An algorithm developed to predict the effect of missense changes on protein structure and function (PolyPhen-2) suggests that this variant is likely to be disruptive. In summary, the available evidence is currently insufficient to determine the role of this variant in disease. Therefore, it has been classified as a Variant of Uncertain Significance.

Women's Health and Genetics/Laboratory Corporation of America, LabCorp
Classification: Uncertain significance. Last evaluated: 2023-11-01. Review status: criteria provided, single submitter. Criteria: LabCorp Variant Classification Summary - May 2015. Collection method: clinical testing. Allele origin: germline.
Comment: Variant summary: KIDINS220 c.1858A>G (p.Thr620Ala) results in a non-conservative amino acid change in the encoded protein sequence. Three of five in-silico tools predict a damaging effect of the variant on protein function. The variant allele was found at a frequency of 7.2e-05 in 249402 control chromosomes. To our knowledge, no occurrence of c.1858A>G in individuals affected with Spastic Paraplegia, Intellectual Disability, Nystagmus, And Obesity and no experimental evidence demonstrating its impact on protein function have been reported. One submitter has cited clinical-significance assessments for this variant to ClinVar after 2014 and has classified the variant as uncertain significance. Based on the evidence outlined above, the variant was classified as uncertain significance.

NM_020738.4(KIDINS220):c.1858A>G (p.Thr620Ala)

Gene: KIDINS220 (kinase D interacting substrate 220; minus strand). Cytogenetic location: 2p25.1.
Variant type: single nucleotide variant.
Coding change: c.1858A>G on transcript NM_020738.4 (MANE Select); coding-DNA position 1858, A replaced by G.
Protein change: p.Thr620Ala; replaces threonine 620 with alanine.
Molecular consequence: missense variant. On other transcripts: non-coding transcript variant (2).
Genome position (GRCh38, 1-based): chr2:8,786,287, T>C on the plus strand (A>G on the coding strand, the complement: KIDINS220 is on the minus strand). VCF-style: chr2-8786287-T-C. GRCh37 (hg19) VCF-style: chr2-8926417-T-C.
Other names: c.1858A>G (NM_020738.2); c.1861A>G, p.Thr621Ala (NM_001348729.2, NM_001348731.2, NM_001348734.2 and 3 more transcripts); c.1858A>G, p.Thr620Ala (NM_001348732.2, NM_001348735.2, NM_001348738.2 and 3 more transcripts); c.1732A>G, p.Thr578Ala (NM_001348736.2); short protein forms T578A, T620A, T621A.
Identifiers: ClinVar variation 2085563 (VCV002085563.9), dbSNP rs370400615, ClinGen allele CA1520081.